The following is an entry in ClinVar:

ClinVar aggregate classification (germline): Likely benign. Review status: criteria provided, single submitter (1 of 4 stars). 2 submissions from 2 submitters: Likely benign (1). 1 of the submissions does not count toward it. Last evaluated 2025-12-23.

Conditions:
CHRNE-related disorder. Also called: CHRNE-related condition.
Congenital myasthenic syndrome 4A. Also called: Myasthenic syndrome, congenital, 4a, slow-channel; MYASTHENIC SYNDROME, CONGENITAL, 4A, SLOW-CHANNEL, AUTOSOMAL RECESSIVE; CONGENITAL MYASTHENIC SYNDROME TYPE Ia1. Identifiers: Orphanet 590, MedGen C4225413, MONDO:0011600, OMIM 605809.

Allele frequency attached by ClinVar (database versions not stated): ExAC 0.00002; gnomAD exomes 0.00002.
gnomAD v4.1: 11 of 1,614,134 alleles (0.00068%); highest among the groups gnomAD compares: Admixed American, 0.0067%; no homozygotes.

Submissions (2):

Labcorp Genetics (formerly Invitae), Labcorp
Classification: Likely benign for Congenital myasthenic syndrome 4A. Last evaluated: 2025-12-23. Review status: criteria provided, single submitter. Criteria: Invitae Variant Classification Sherloc (09022015). Collection method: clinical testing. Allele origin: germline.

PreventionGenetics, part of Exact Sciences
Classification: Likely benign for CHRNE-related condition. Last evaluated: 2019-05-02. Review status: no assertion criteria provided. Collection method: clinical testing. Allele origin: germline. Not counted in ClinVar's aggregate classification.
Comment: This variant is classified as likely benign based on ACMG/AMP sequence variant interpretation guidelines (Richards et al. 2015 PMID: 25741868, with internal and published modifications).

NM_000080.4(CHRNE):c.237T>C (p.Asp79=)

Genes: C17orf107 (chromosome 17 open reading frame 107; plus strand), CHRNE (cholinergic receptor nicotinic epsilon subunit; minus strand). Cytogenetic location: 17p13.2.
Variant type: single nucleotide variant.
Coding change: c.237T>C on transcript NM_000080.4 (MANE Select); coding-DNA position 237, T replaced by C.
Protein change: p.Asp79=; no amino-acid change (aspartic acid 79 retained).
Molecular consequence: synonymous variant. On other transcripts: 3 prime UTR variant (1).
Genome position (GRCh38, 1-based): chr17:4,902,324, A>G on the plus strand (T>C on the coding strand, the complement: CHRNE is on the minus strand). VCF-style: chr17-4902324-A-G. GRCh37 (hg19) VCF-style: chr17-4805619-A-G.
Other names: c.*1791A>G (NM_001145536.2).
Identifiers: ClinVar variation 1657433 (VCV001657433.10), dbSNP rs777458923, ClinGen allele CA8314533.